The following is an entry in ClinVar:

NM_001367561.1(DOCK7):c.5536G>A (p.Gly1846Ser)

Gene: DOCK7 (dedicator of cytokinesis 7; minus strand). Cytogenetic location: 1p31.3.
Variant type: single nucleotide variant.
Coding change: c.5536G>A on transcript NM_001367561.1 (MANE Select); coding-DNA position 5536, G replaced by A.
Protein change: p.Gly1846Ser; replaces glycine 1846 with serine.
Molecular consequence: missense variant.
Genome position (GRCh38, 1-based): chr1:62,477,798, C>T on the plus strand (G>A on the coding strand, the complement: DOCK7 is on the minus strand). VCF-style: chr1-62477798-C-T. GRCh37 (hg19) VCF-style: chr1-62943469-C-T.
Other names: c.5503G>A, p.Gly1835Ser (NM_001271999.2); c.5416G>A, p.Gly1806Ser (NM_001272000.2); c.5410G>A, p.Gly1804Ser (NM_001272001.2); c.5509G>A, p.Gly1837Ser (NM_001330614.2); c.5443G>A, p.Gly1815Ser (NM_033407.4); short protein forms G1815S, G1806S, G1835S, G1837S, G1804S, G1846S.
Identifiers: ClinVar variation 962615 (VCV000962615.5), dbSNP rs773483530, ClinGen allele CA885401.

ClinVar aggregate classification (germline): Uncertain significance (1 of 4 stars; one submission).

Conditions:
Developmental and epileptic encephalopathy, 23 (DEE23). Also called: Epileptic encephalopathy, early infantile, 23. Identifiers: Orphanet 411986, MedGen C4014492, MONDO:0014371, OMIM 615859.

Allele frequency attached by ClinVar (database versions not stated): gnomAD exomes below 0.00001; TOPMed 0.00001; gnomAD 0.00001; ExAC 0.00001.
gnomAD v4.1: 2 of 1,609,144 alleles (0.00012%); highest among the groups gnomAD compares: African/African-American, 0.0027%; no homozygotes.

Submission:

Labcorp Genetics (formerly Invitae), Labcorp
Classification: Uncertain significance for Developmental and epileptic encephalopathy, 23. Last evaluated: 2022-08-10. Review status: criteria provided, single submitter. Criteria: Invitae Variant Classification Sherloc (09022015). Collection method: clinical testing. Allele origin: germline.
Comment: This sequence change replaces glycine, which is neutral and non-polar, with serine, which is neutral and polar, at codon 1835 of the DOCK7 protein (p.Gly1835Ser). This variant is not present in population databases (gnomAD no frequency). This variant has not been reported in the literature in individuals affected with DOCK7-related conditions. ClinVar contains an entry for this variant (Variation ID: 962615). Algorithms developed to predict the effect of missense changes on protein structure and function are either unavailable or do not agree on the potential impact of this missense change (SIFT: "Deleterious"; PolyPhen-2: "Probably Damaging"; Align-GVGD: "Class C0"). Algorithms developed to predict the effect of sequence changes on RNA splicing suggest that this variant may create or strengthen a splice site. In summary, the available evidence is currently insufficient to determine the role of this variant in disease. Therefore, it has been classified as a Variant of Uncertain Significance.